The following is an entry in ClinVar:

NM_001267550.2(TTN):c.35713+1G>A

Gene: TTN (titin; minus strand). Cytogenetic location: 2q31.2.
Variant type: single nucleotide variant.
Coding change: c.35713+1G>A on transcript NM_001267550.2 (MANE Select); the canonical splice donor site of the intron after coding-DNA position 35713, G replaced by A.
Molecular consequence: splice donor variant. On other transcripts: intron variant (5).
Genome position (GRCh38, 1-based): chr2:178,667,441, C>T on the plus strand (G>A on the coding strand, the complement: TTN is on the minus strand). VCF-style: chr2-178667441-C-T. GRCh37 (hg19) VCF-style: chr2-179532168-C-T.
Other names: c.13283-25124G>A (NM_003319.4); c.13859-25124G>A (NM_133437.4); c.13658-25124G>A (NM_133432.3); c.31483+2777G>A (NM_133378.4); c.34264+2777G>A (NM_001256850.1).
Identifiers: ClinVar variation 937891 (VCV000937891.12), dbSNP rs2066160245, ClinGen allele CA349508881.

ClinVar aggregate classification (germline): Conflicting classifications of pathogenicity. Review status: criteria provided, conflicting classifications (1 of 4 stars). 2 submissions from 2 submitters: Pathogenic (1); Uncertain significance (1). Last evaluated 2025-02-02.

Conditions:
TTN-related myopathy. Identifiers: MedGen CN294812, MONDO:0100175.
Dilated cardiomyopathy 1G (CMD1G). Identifiers: Orphanet 154, MedGen C1858763, MONDO:0011400, OMIM 604145.
Autosomal recessive limb-girdle muscular dystrophy type 2J (LGMDR10). Also called: Limb-girdle muscular dystrophy, type 2J; MUSCULAR DYSTROPHY, LIMB-GIRDLE, AUTOSOMAL RECESSIVE 10. Identifiers: Orphanet 140922, MedGen C1837342, MONDO:0012127, OMIM 608807.

Submissions (2):

Labcorp Genetics (formerly Invitae), Labcorp
Classification: Pathogenic for Dilated cardiomyopathy 1G; Autosomal recessive limb-girdle muscular dystrophy type 2J. Last evaluated: 2025-02-02. Review status: criteria provided, single submitter. Criteria: Invitae Variant Classification Sherloc (09022015). Collection method: clinical testing. Allele origin: germline.
Comment: This sequence change affects a donor splice site in intron 161 of the TTN gene. It is expected to disrupt RNA splicing and likely results in a truncated or disrupted TTN protein. This variant is not present in population databases (gnomAD no frequency). Disruption of this splice site has been observed in individuals with autosomal recessive congenital myopathy (PMID: 30365001; internal data). ClinVar contains an entry for this variant (Variation ID: 937891). Algorithms developed to predict the effect of sequence changes on RNA splicing suggest that this variant may disrupt the consensus splice site. This variant is located in the I band of TTN (PMID: 25589632). Truncating variants in this region have been reported in individuals affected with autosomal recessive centronuclear myopathy (PMID: 23975875, internal data). Truncating variants in this region have also been identified in individuals affected with autosomal dominant dilated cardiomyopathy and/or cardio-related conditions (PMID: 27869827, 32964742, internal data). For these reasons, this variant has been classified as Pathogenic.

Muscle and Diseases Team, Institut de Génétique et Biologie Moléculaire et Cellulaire
Classification: Uncertain significance for TTN-related myopathy. Last evaluated: 2024-03-01. Review status: criteria provided, single submitter. Criteria: ACMG Guidelines, 2015. Collection method: research. Allele origin: unknown. Affected: yes. Observed: 1 variant allele.
Comment: PVS1_Moderate+PM2

Literature cited by the submitters: PubMed 30365001 (cited by Labcorp Genetics (formerly Invitae), Labcorp); PubMed 25589632 (cited by Labcorp Genetics (formerly Invitae), Labcorp); PubMed 23975875 (cited by Labcorp Genetics (formerly Invitae), Labcorp); PubMed 27869827 (cited by Labcorp Genetics (formerly Invitae), Labcorp); PubMed 32964742 (cited by Labcorp Genetics (formerly Invitae), Labcorp); DOI 10.1186/s13073-024-01353-0 (cited by Muscle and Diseases Team, Institut de Génétique et Biologie Moléculaire et Cellulaire); PubMed 30192042 (cited by Muscle and Diseases Team, Institut de Génétique et Biologie Moléculaire et Cellulaire).